The following is an entry in ClinVar:

NM_001267550.2(TTN):c.28768C>T (p.Pro9590Ser)

Gene: TTN (titin; minus strand). Cytogenetic location: 2q31.2.
Variant type: single nucleotide variant.
Coding change: c.28768C>T on transcript NM_001267550.2 (MANE Select); coding-DNA position 28768, C replaced by T.
Protein change: p.Pro9590Ser; replaces proline 9590 with serine.
Molecular consequence: missense variant. On other transcripts: intron variant (3).
Genome position (GRCh38, 1-based): chr2:178,707,799, G>A on the plus strand (C>T on the coding strand, the complement: TTN is on the minus strand). VCF-style: chr2-178707799-G-A. GRCh37 (hg19) VCF-style: chr2-179572526-G-A.
Other names: c.27817C>T, p.Pro9273Ser (NM_001256850.1); c.25036C>T, p.Pro8346Ser (NM_133378.4); c.13282+30283C>T (NM_003319.4); c.13858+30283C>T (NM_133437.4); c.13657+30283C>T (NM_133432.3); short protein forms P8346S, P9273S, P9590S.
Identifiers: ClinVar variation 3572737 (VCV003572737.1).
Genomic context (GRCh38, chr2:178,707,799, plus strand): 5'-TGAGCTGCACGTATTCTCCTTCACTCACTGTTACTGGAGTAAGGTGCTGATCAAATACAG[G>A]TGGCTTCTTAGGTTCTGGAATTGAAAAGGTATTTTCATGAGGAACATAAAGGCAAAAAAG-3'
Protein context (NP_001254479.2, residues 9580-9600): SIVIKEPKKP[Pro9590Ser]VFDQHLTPVT

ClinVar aggregate classification (germline): Uncertain significance (1 of 4 stars; one submission).

Submission:

GeneDx
Classification: Uncertain significance. Last evaluated: 2024-07-09. Review status: criteria provided, single submitter. Criteria: GeneDx Variant Classification Process June 2021. Collection method: clinical testing. Allele origin: germline. Affected: yes.
Comment: Not observed at significant frequency in large population cohorts (gnomAD); Missense variant in a gene in which most reported pathogenic variants are truncating/loss of function; Has not been previously published as pathogenic or benign to our knowledge